The following is an entry in ClinVar:

NM_001042492.3(NF1):c.14G>C (p.Arg5Thr)

Genes: MIR4733HG (MIR4733 host gene; minus strand), NF1 (neurofibromin 1; plus strand), LOC111811965 (NF1 (neurofibromin 1) promoter region; plus strand). Cytogenetic location: 17q11.2.
Variant type: single nucleotide variant.
Coding change: c.14G>C on transcript NM_001042492.3 (MANE Select); coding-DNA position 14, G replaced by C.
Protein change: p.Arg5Thr; replaces arginine 5 with threonine.
Molecular consequence: missense variant. On other transcripts: non-coding transcript variant (1).
Genome position (GRCh38, 1-based): chr17:31,095,323, G>C. VCF-style: chr17-31095323-G-C. GRCh37 (hg19) VCF-style: chr17-29422341-G-C.
Other names: c.14G>C, p.Arg5Thr (NM_000267.4, NM_001128147.3); short protein forms R5T.
Identifiers: ClinVar variation 2961289 (VCV002961289.3), dbSNP rs2143144621, ClinGen allele CA398979205.
Genomic context (GRCh38, chr17:31,095,323, plus strand): 5'-GCGCCGGCCCACCCTTCCCTCCGCCGCCCCCCGGCCGCGGGGAGGACATGGCCGCGCACA[G>C]GCCGGTGGAATGGGTCCAGGCCGTGGTCAGCCGCTTCGACGAGCAGGTAACCGGCCCGTG-3'
Protein context (NP_001035957.1, residues 1-15): MAAH[Arg5Thr]PVEWVQAVVS

ClinVar aggregate classification (germline): Uncertain significance (1 of 4 stars; one submission).

Conditions:
Neurofibromatosis, type 1 (NF1). Also called: NEUROFIBROMATOSIS, TYPE I, SOMATIC; Peripheral type neurofibromatosis; Neurofibromatosis, type I; VON RECKLINGHAUSEN DISEASE. Identifiers: Orphanet 636, MedGen C0027831, MONDO:0018975, OMIM 162200. Disease mechanism: loss of function.

Submission:

Labcorp Genetics (formerly Invitae), Labcorp
Classification: Uncertain significance for Neurofibromatosis, type 1. Last evaluated: 2023-12-10. Review status: criteria provided, single submitter. Criteria: Invitae Variant Classification Sherloc (09022015). Collection method: clinical testing. Allele origin: germline.
Comment: This sequence change replaces arginine, which is basic and polar, with threonine, which is neutral and polar, at codon 5 of the NF1 protein (p.Arg5Thr). This variant is not present in population databases (gnomAD no frequency). This variant has not been reported in the literature in individuals affected with NF1-related conditions. Advanced modeling of protein sequence and biophysical properties (such as structural, functional, and spatial information, amino acid conservation, physicochemical variation, residue mobility, and thermodynamic stability) performed at Invitae indicates that this missense variant is not expected to disrupt NF1 protein function with a negative predictive value of 95%. In summary, the available evidence is currently insufficient to determine the role of this variant in disease. Therefore, it has been classified as a Variant of Uncertain Significance.